The following is an entry in ClinVar:

ClinVar aggregate classification (germline): Pathogenic (1 of 4 stars; one submission).

Conditions:
Familial cancer of breast. Also called: Hereditary breast cancer; BREAST CANCER, FAMILIAL; hereditary breast carcinoma. Identifiers: Orphanet 227535, MedGen C0346153, MONDO:0016419, OMIM 114480. Disease mechanism: loss of function.

Submission:

Myriad Genetics, Inc.
Classification: Pathogenic for Familial cancer of breast. Last evaluated: 2025-10-14. Review status: criteria provided, single submitter. Criteria: Myriad Autosomal Dominant, Autosomal Recessive and X-Linked Classification Criteria (2023). Collection method: clinical testing. Allele origin: unknown.
Comment: This variant is considered pathogenic. This variant creates a frameshift predicted to result in premature protein truncation.

NM_000465.4(BARD1):c.1792_1793dup (p.Glu599fs)

Gene: BARD1 (BRCA1 associated RING domain 1; minus strand). Cytogenetic location: 2q35.
Variant type: Duplication.
Coding change: c.1792_1793dup on transcript NM_000465.4 (MANE Select); coding-DNA positions 1792 to 1793, 2 bases duplicated (AC; older notation c.1792_1793dupAC).
Protein change: p.Glu599fs; shifts the reading frame from glutamic acid 599.
Molecular consequence: frameshift variant. On other transcripts: non-coding transcript variant (3), intron variant (1).
Genome position (GRCh38, 1-based): chr2:214,745,739-214,745,740, GT duplicated on the plus strand (AC on the coding strand, the reverse complement: BARD1 is on the minus strand). VCF-style (leftmost placement, unchanged base first): chr2-214745738-A-AGT. GRCh37 (hg19) VCF-style: chr2-215610462-A-AGT.
Other names: c.1735_1736dup, p.Glu580fs (NM_001282543.2); c.439_440dup, p.Glu148fs (NM_001282545.2); c.382_383dup, p.Glu129fs (NM_001282548.2); c.365-15232_365-15231dup (NM_001282549.2); short protein forms E129fs, E148fs, E580fs, E599fs.
Identifiers: ClinVar variation 4812974 (VCV004812974.1).